The following is an entry in ClinVar:

NM_005120.3(MED12):c.5965C>T (p.Arg1989Cys)

Gene: MED12 (mediator complex subunit 12; plus strand). Cytogenetic location: Xq13.1.
Variant type: single nucleotide variant.
Coding change: c.5965C>T on transcript NM_005120.3 (MANE Select); coding-DNA position 5965, C replaced by T.
Protein change: p.Arg1989Cys; replaces arginine 1989 with cysteine.
Molecular consequence: missense variant.
Genome position (GRCh38, 1-based): chrX:71,137,864, C>T. VCF-style: chrX-71137864-C-T. GRCh37 (hg19) VCF-style: chrX-70357714-C-T.
Other names: short protein forms R1989C.
Identifiers: ClinVar variation 1303641 (VCV001303641.6), dbSNP rs1009330609, ClinGen allele CA330983961.

ClinVar aggregate classification (germline): Uncertain significance. Review status: criteria provided, multiple submitters, no conflicts (2 of 4 stars). 2 submissions from 2 submitters: Uncertain significance (2). Last evaluated 2024-06-26.

Conditions:
FG syndrome (FGS). Identifiers: MedGen C0220769, MONDO:0002010.

Allele frequency attached by ClinVar (database versions not stated): gnomAD exomes below 0.00001; gnomAD 0.00001; TOPMed 0.00001.
gnomAD v4.1: 5 of 1,209,798 alleles (0.00041%); highest among the groups gnomAD compares: African/African-American, 0.0018%; no homozygotes.

Submissions (2):

GeneDx
Classification: Uncertain significance. Last evaluated: 2024-06-26. Review status: criteria provided, single submitter. Criteria: GeneDx Variant Classification Process June 2021. Collection method: clinical testing. Allele origin: germline. Affected: yes.
Comment: Not observed at significant frequency in large population cohorts (gnomAD); In silico analysis supports that this missense variant has a deleterious effect on protein structure/function; This variant is associated with the following publications: (PMID: 36271811)

Labcorp Genetics (formerly Invitae), Labcorp
Classification: Uncertain significance for FG syndrome. Last evaluated: 2023-10-11. Review status: criteria provided, single submitter. Criteria: Invitae Variant Classification Sherloc (09022015). Collection method: clinical testing. Allele origin: germline.
Comment: This sequence change replaces arginine, which is basic and polar, with cysteine, which is neutral and slightly polar, at codon 1989 of the MED12 protein (p.Arg1989Cys). This variant is not present in population databases (gnomAD no frequency). This missense change has been observed in individual(s) with clinical features of MED12-related conditions (PMID: 36271811). ClinVar contains an entry for this variant (Variation ID: 1303641). Advanced modeling of protein sequence and biophysical properties (such as structural, functional, and spatial information, amino acid conservation, physicochemical variation, residue mobility, and thermodynamic stability) performed at Invitae indicates that this missense variant is expected to disrupt MED12 protein function. In summary, the available evidence is currently insufficient to determine the role of this variant in disease. Therefore, it has been classified as a Variant of Uncertain Significance.

Literature cited by the submitters: PubMed 36271811 (cited by Labcorp Genetics (formerly Invitae), Labcorp).